The following is an entry in ClinVar:

ClinVar aggregate classification (germline): Conflicting classifications of pathogenicity. Review status: criteria provided, conflicting classifications (1 of 4 stars). 2 submissions from 2 submitters: Uncertain significance (1); Benign (1). Last evaluated 2023-01-01.

Conditions:
Fraser syndrome 2 (FRASRS2). Identifiers: MedGen C4540036, MONDO:0054738, OMIM 617666.

Allele frequency attached by ClinVar (database versions not stated): 1000 Genomes Project 0.00120; 1000 Genomes Project 30x 0.00156; TOPMed 0.00631; gnomAD 0.00728 and 0.00754.

Submissions (2):

CeGaT Center for Human Genetics Tuebingen
Classification: Benign. Last evaluated: 2023-01-01. Review status: criteria provided, single submitter. Criteria: CeGaT Center For Human Genetics Tuebingen Variant Classification Criteria Version 2. Collection method: clinical testing. Allele origin: germline. Affected: yes. Observed: 1 variant allele.
Comment: FREM2: BS1, BS2

Illumina Laboratory Services, Illumina
Classification: Uncertain significance for Fraser syndrome 2. Last evaluated: 2018-01-13. Review status: criteria provided, single submitter. Criteria: ICSL Variant Classification Criteria 13 December 2019. Collection method: clinical testing. Allele origin: germline.

NM_207361.6(FREM2):c.*4907C>T

Gene: FREM2 (FRAS1 related extracellular matrix 2; plus strand). Cytogenetic location: 13q13.3.
Variant type: single nucleotide variant.
Coding change: c.*4907C>T on transcript NM_207361.6 (MANE Select); 4907 bases downstream of the stop codon, C replaced by T.
Molecular consequence: 3 prime UTR variant.
Genome position (GRCh38, 1-based): chr13:38,885,694, C>T. VCF-style: chr13-38885694-C-T. GRCh37 (hg19) VCF-style: chr13-39459831-C-T.
Identifiers: ClinVar variation 312094 (VCV000312094.29), dbSNP rs185608262, ClinGen allele CA10639529.